The following is an entry in ClinVar:

NM_001385012.1(NBEA):c.7116C>A (p.Pro2372=)

Gene: NBEA (neurobeachin; plus strand). Cytogenetic location: 13q13.3.
Variant type: single nucleotide variant.
Coding change: c.7116C>A on transcript NM_001385012.1 (MANE Select); coding-DNA position 7116, C replaced by A.
Protein change: p.Pro2372=; no amino-acid change (proline 2372 retained).
Molecular consequence: synonymous variant.
Genome position (GRCh38, 1-based): chr13:35,583,978, C>A. VCF-style: chr13-35583978-C-A. GRCh37 (hg19) VCF-style: chr13-36158115-C-A.
Other names: c.495C>A, p.Pro165= (NM_001204197.3); c.7107C>A, p.Pro2369= (NM_001379245.1); c.7116C>A, p.Pro2372= (NM_015678.5).
Identifiers: ClinVar variation 4983785 (VCV004983785.1).

ClinVar aggregate classification (germline): Likely benign (1 of 4 stars; one submission).

Conditions:
NBEA-related disorder. Also called: NBEA-related condition.

Submission:

PreventionGenetics, part of Exact Sciences
Classification: Likely benign for NBEA-related condition. Last evaluated: 2024-12-03. Review status: criteria provided, single submitter. Criteria: ACMG Guidelines, 2015. Collection method: clinical testing. Allele origin: germline.
Comment: This variant is classified as likely benign based on ACMG/AMP sequence variant interpretation guidelines (Richards et al. 2015 PMID: 25741868, with internal and published modifications).